The following is an entry in ClinVar:

NC_000023.10:g.(?_132887499)_(132888213_?)dup

Gene: GPC3 (glypican 3; minus strand). Cytogenetic location: Xq26.2.
Variant type: Duplication.
Identifiers: ClinVar variation 662850 (VCV000662850.7).

ClinVar aggregate classification (germline): Likely pathogenic (1 of 4 stars; one submission).

Conditions:
Wilms tumor 1 (WT1). Also called: Wilms tumor, somatic. Identifiers: Orphanet 654, MedGen CN033288, MONDO:0008679, OMIM 194070.

Submission:

Labcorp Genetics (formerly Invitae), Labcorp
Classification: Likely pathogenic for Wilms tumor 1. Last evaluated: 2019-11-13. Review status: criteria provided, single submitter. Criteria: Invitae Variant Classification Sherloc (09022015). Collection method: clinical testing. Allele origin: germline.
Comment: This variant results in a copy number gain of the genomic region encompassing exon 3 of the GPC3 gene. While the exact position of this variant cannot be determined from this data, sub-genic copy number gains are generally in tandem (PMID: 25640679) and may result in an absent or disrupted protein product. This variant has not been reported in the literature in individuals with GPC3-related conditions. Loss-of-function variants in GPC3 are known to be pathogenic (PMID: 10402475, 12713262, 17603795). In summary, the currently available evidence indicates that the variant is pathogenic, but additional data are needed to prove that conclusively. Therefore, this variant has been classified as Likely Pathogenic.

Literature cited by the submitters: PubMed 25640679; PubMed 10402475; PubMed 12713262; PubMed 17603795.